The following is an entry in ClinVar:

ClinVar aggregate classification (germline): Pathogenic (1 of 4 stars; one submission).

Submission:

Labcorp Genetics (formerly Invitae), Labcorp
Classification: Pathogenic. Last evaluated: 2022-10-17. Review status: criteria provided, single submitter. Criteria: Invitae Variant Classification Sherloc (09022015). Collection method: clinical testing. Allele origin: germline.
Comment: For these reasons, this variant has been classified as Pathogenic. This sequence change creates a premature translational stop signal (p.Val829Serfs*36) in the TUBGCP6 gene. It is expected to result in an absent or disrupted protein product. Loss-of-function variants in TUBGCP6 are known to be pathogenic (PMID: 25344692). This variant is not present in population databases (gnomAD no frequency). This variant has not been reported in the literature in individuals affected with TUBGCP6-related conditions. This variant is also known as c.2484+1del. ClinVar contains an entry for this variant (Variation ID: 1433326). Algorithms developed to predict the effect of sequence changes on RNA splicing suggest that this variant may disrupt the consensus splice site.

Literature cited by the submitters: PubMed 25344692.

NM_020461.4(TUBGCP6):c.2484+1del

Gene: TUBGCP6 (tubulin gamma complex component 6; minus strand). Cytogenetic location: 22q13.33.
Variant type: Deletion.
Coding change: c.2484+1del on transcript NM_020461.4 (MANE Select); the canonical splice donor site of the intron after coding-DNA position 2484, one base deleted (G; older notation c.2484+1delG).
Molecular consequence: splice donor variant.
Genome position (GRCh38, 1-based): chr22:50,222,027, C deleted on the plus strand (G on the coding strand, the reverse complement: TUBGCP6 is on the minus strand); the first of 2 consecutive C bases (chr22:50,222,027-50,222,028); deleting either gives the same sequence. VCF-style (leftmost placement, unchanged base first): chr22-50222026-AC-A. GRCh37 (hg19) VCF-style: chr22-50660455-AC-A.
Identifiers: ClinVar variation 1433326 (VCV001433326.6), dbSNP rs2147181283, ClinGen allele CA2573158262.